The following is an entry in ClinVar:

ClinVar aggregate classification (germline): Uncertain significance (1 of 4 stars; one submission).

Conditions:
Hereditary cancer-predisposing syndrome. Also called: Neoplastic Syndromes, Hereditary; Tumor predisposition; Hereditary neoplastic syndrome; Hereditary Cancer Syndrome. Identifiers: Orphanet 140162, MedGen C0027672, MeSH D009386, MONDO:0015356.

Submission:

Ambry Genetics
Classification: Uncertain significance for Hereditary cancer-predisposing syndrome. Last evaluated: 2023-10-15. Review status: criteria provided, single submitter. Criteria: Ambry Variant Classification Scheme 2023. Collection method: clinical testing. Allele origin: germline.
Comment: The p.I311S variant (also known as c.932T>G), located in coding exon 9 of the FANCC gene, results from a T to G substitution at nucleotide position 932. The isoleucine at codon 311 is replaced by serine, an amino acid with dissimilar properties. This amino acid position is conserved. In addition, the in silico prediction for this alteration is inconclusive. Since supporting evidence is limited at this time, the clinical significance of this alteration remains unclear.

NM_000136.3(FANCC):c.932T>G (p.Ile311Ser)

Genes: AOPEP (aminopeptidase O (putative); plus strand), FANCC (FA complementation group C; minus strand). Cytogenetic location: 9q22.32.
Variant type: single nucleotide variant.
Coding change: c.932T>G on transcript NM_000136.3 (MANE Select); coding-DNA position 932, T replaced by G.
Protein change: p.Ile311Ser; replaces isoleucine 311 with serine.
Molecular consequence: missense variant.
Genome position (GRCh38, 1-based): chr9:95,125,150, A>C on the plus strand (T>G on the coding strand, the complement: FANCC is on the minus strand). VCF-style: chr9-95125150-A-C. GRCh37 (hg19) VCF-style: chr9-97887432-A-C.
Other names: c.932T>G, p.Ile311Ser (NM_001243743.2, NM_001243744.2); short protein forms I311S.
Identifiers: ClinVar variation 3230401 (VCV003230401.1), dbSNP rs2541138913, ClinGen allele CA374108961.
Genomic context (GRCh38, chr9:95,125,150, plus strand): 5'-TTGCTTGCTTTCTCCAGAGCTTCTACAAAGCACTGCGTAAACACCTGAATAGTGGCTATG[A>C]TTTCCAGGGCCCCATCGGTTTCCAGGAGTGCACACCTGAACAATGCAAAGTCAGATCAGA-3'
Protein context (NP_000127.2, residues 301-321): ALLETDGALE[Ile311Ser]IATIQVFTQC